The following is an entry in ClinVar:

NM_017514.5(PLXNA3):c.3488A>G (p.Tyr1163Cys)

Gene: PLXNA3 (plexin A3; plus strand). Cytogenetic location: Xq28.
Variant type: single nucleotide variant.
Coding change: c.3488A>G on transcript NM_017514.5 (MANE Select); coding-DNA position 3488, A replaced by G.
Protein change: p.Tyr1163Cys; replaces tyrosine 1163 with cysteine.
Molecular consequence: missense variant.
Genome position (GRCh38, 1-based): chrX:154,467,591, A>G. VCF-style: chrX-154467591-A-G. GRCh37 (hg19) VCF-style: chrX-153695934-A-G.
Other names: short protein forms Y1163C.
Identifiers: ClinVar variation 2630988 (VCV002630988.1), dbSNP rs2523087298, ClinGen allele CA415245467.

ClinVar aggregate classification (germline): Uncertain significance (1 of 4 stars; one submission).

Conditions:
PLXNA3-related disorder. Also called: PLXNA3-related condition.

Submission:

PreventionGenetics, part of Exact Sciences
Classification: Uncertain significance for PLXNA3-related condition. Last evaluated: 2023-09-18. Review status: criteria provided, single submitter. Criteria: ACMG Guidelines, 2015. Collection method: clinical testing. Allele origin: germline.
Comment: The PLXNA3 c.3488A>G variant is predicted to result in the amino acid substitution p.Tyr1163Cys. To our knowledge, this variant has not been reported in the literature or in a large population database, indicating this variant is rare. At this time, the clinical significance of this variant is uncertain due to the absence of conclusive functional and genetic evidence.